The following is an entry in ClinVar:

NM_007294.4(BRCA1):c.1163G>A (p.Arg388Lys)

Gene: BRCA1 (BRCA1 DNA repair associated; minus strand). Cytogenetic location: 17q21.31.
Variant type: single nucleotide variant.
Coding change: c.1163G>A on transcript NM_007294.4 (MANE Select); coding-DNA position 1163, G replaced by A.
Protein change: p.Arg388Lys; replaces arginine 388 with lysine.
Molecular consequence: missense variant. On other transcripts: intron variant (137).
Genome position (GRCh38, 1-based): chr17:43,094,368, C>T on the plus strand (G>A on the coding strand, the complement: BRCA1 is on the minus strand). VCF-style: chr17-43094368-C-T. GRCh37 (hg19) VCF-style: chr17-41246385-C-T.
Other names: c.950G>A, p.Arg317Lys (NM_001407571.1, NM_001407853.1, NM_001407894.1 and 9 more transcripts); c.1163G>A, p.Arg388Lys (NM_001407581.1, NM_001407582.1, NM_001407583.1 and 30 more transcripts); c.1160G>A, p.Arg387Lys (NM_001407587.1, NM_001407590.1, NM_001407591.1 and 22 more transcripts); c.1154G>A, p.Arg385Lys (NM_001407646.1, NM_001407647.1); c.1040G>A, p.Arg347Lys (NM_001407648.1, NM_001407664.1, NM_001407665.1 and 19 more transcripts); c.1037G>A, p.Arg346Lys (NM_001407649.1, NM_001407670.1, NM_001407671.1 and 11 more transcripts); c.1085G>A, p.Arg362Lys (NM_001407653.1, NM_001407654.1, NM_001407655.1 and 4 more transcripts); c.1082G>A, p.Arg361Lys (NM_001407659.1, NM_001407660.1, NM_001407661.1 and 1 more transcripts); and 40 more; short protein forms R341K, R388K, R261K, R300K, R317K, R92K, R220K, R340K.
Identifiers: ClinVar variation 1027319 (VCV001027319.14), dbSNP rs786203567, ClinGen allele CA10599728.

ClinVar aggregate classification (germline): Conflicting classifications of pathogenicity. Review status: criteria provided, conflicting classifications (1 of 4 stars). 3 submissions from 3 submitters: Uncertain significance (2); Likely benign (1). Last evaluated 2023-03-23.

Conditions:
Hereditary cancer-predisposing syndrome. Also called: Neoplastic Syndromes, Hereditary; Tumor predisposition; Hereditary Cancer Syndrome; Hereditary neoplastic syndrome. Identifiers: Orphanet 140162, MedGen C0027672, MeSH D009386, MONDO:0015356.
Hereditary breast ovarian cancer syndrome. Also called: Hereditary breast and ovarian cancer; Hereditary breast and ovarian cancer syndrome (HBOC); Hereditary breast and ovarian cancer syndrome; BRCA1- and BRCA2-Associated Hereditary Breast and Ovarian Cancer; Hereditary breast and/or ovarian cancer syndrome; Breast and ovarian cancer. Identifiers: Orphanet 145, MedGen C0677776, MeSH D061325, MONDO:0003582. Disease mechanism: loss of function.

Submissions (3):

University of Washington Department of Laboratory Medicine, University of Washington
Classification: Likely benign for Hereditary cancer-predisposing syndrome. Last evaluated: 2023-03-23. Review status: criteria provided, single submitter. Criteria: Dines et al. (Genet Med. 2020). Collection method: curation. Allele origin: germline.
Comment: Missense variant in a coldspot region where missense variants are very unlikely to be pathogenic (PMID:31911673).

BRCA1 coldspot (exon 11 using historical exon numbering). Reclassification based on statistical prior probability

Ambry Genetics
Classification: Uncertain significance for Hereditary cancer-predisposing syndrome. Last evaluated: 2022-12-23. Review status: criteria provided, single submitter. Criteria: Ambry Variant Classification Scheme 2023. Collection method: clinical testing. Allele origin: germline.
Comment: The p.R388K variant (also known as c.1163G>A), located in coding exon 9 of the BRCA1 gene, results from a G to A substitution at nucleotide position 1163. The arginine at codon 388 is replaced by lysine, an amino acid with highly similar properties. This amino acid position is well conserved in available vertebrate species; however, lysine is the reference amino acid in other vertebrate species. In addition, this alteration is predicted to be deleterious by in silico analysis. Since supporting evidence is limited at this time, the clinical significance of this alteration remains unclear.

Labcorp Genetics (formerly Invitae), Labcorp
Classification: Uncertain significance for Hereditary breast ovarian cancer syndrome. Last evaluated: 2022-01-13. Review status: criteria provided, single submitter. Criteria: Invitae Variant Classification Sherloc (09022015). Collection method: clinical testing. Allele origin: germline.
Comment: Advanced modeling of protein sequence and biophysical properties (such as structural, functional, and spatial information, amino acid conservation, physicochemical variation, residue mobility, and thermodynamic stability) performed at Invitae indicates that this missense variant is not expected to disrupt BRCA1 protein function. ClinVar contains an entry for this variant (Variation ID: 1027319). This variant has not been reported in the literature in individuals affected with BRCA1-related conditions. This variant is not present in population databases (gnomAD no frequency). This sequence change replaces arginine, which is basic and polar, with lysine, which is basic and polar, at codon 388 of the BRCA1 protein (p.Arg388Lys). In summary, the available evidence is currently insufficient to determine the role of this variant in disease. Therefore, it has been classified as a Variant of Uncertain Significance.